The following is an entry in ClinVar:

ClinVar aggregate classification (germline): Uncertain significance. Review status: criteria provided, multiple submitters, no conflicts (2 of 4 stars). 2 submissions from 2 submitters: Uncertain significance (2). Last evaluated 2025-09-30.

Conditions:
C3 glomerulonephritis. Also called: Nephropathy due to CFHR5 Deficiency; C3 GLOMERULOPATHY 3. Identifiers: Orphanet 329931, MedGen C4055342, MONDO:0013892, OMIM 614809.

Allele frequency attached by ClinVar (database versions not stated): gnomAD 0.00001; TOPMed 0.00001; gnomAD exomes 0.00002.
gnomAD v4.1: 35 of 1,613,818 alleles (0.0022%); highest among the groups gnomAD compares: Non-Finnish European, 0.0029%; no homozygotes.

Submissions (2):

Genomenon, Inc
Classification: Uncertain significance for C3 glomerulonephritis. Last evaluated: 2025-09-30. Review status: criteria provided, single submitter. Criteria: Genomenon Sequence Variant Interpretation Standards. Collection method: curation. Allele origin: germline. Affected: yes.
Comment: C3 p.Glu1516Ala (c.4547A>C) is a missense variant that changes the amino acid at residue 1516 from Glutamic acid to Alanine. This variant has been observed in at least one proband affected with C3 glomerulonephritis (PMID:37744338). It is absent or not present at a significant frequency in gnomAD. In conclusion, we classify C3 p.Glu1516Ala (c.4547A>C) as a variant of unknown significance.

Labcorp Genetics (formerly Invitae), Labcorp
Classification: Uncertain significance. Last evaluated: 2021-12-13. Review status: criteria provided, single submitter. Criteria: Invitae Variant Classification Sherloc (09022015). Collection method: clinical testing. Allele origin: germline.
Comment: In summary, the available evidence is currently insufficient to determine the role of this variant in disease. Therefore, it has been classified as a Variant of Uncertain Significance. Algorithms developed to predict the effect of missense changes on protein structure and function are either unavailable or do not agree on the potential impact of this missense change (SIFT: "Tolerated"; PolyPhen-2: "Probably Damaging"; Align-GVGD: "Class C0"). This variant has not been reported in the literature in individuals affected with C3-related conditions. This variant is present in population databases (no rsID available, gnomAD 0.003%). This sequence change replaces glutamic acid, which is acidic and polar, with alanine, which is neutral and non-polar, at codon 1516 of the C3 protein (p.Glu1516Ala).

Literature cited by the submitters: PubMed 37744338 (cited by Genomenon, Inc).

NM_000064.4(C3):c.4547A>C (p.Glu1516Ala)

Gene: C3 (complement C3; minus strand). Cytogenetic location: 19p13.3.
Variant type: single nucleotide variant.
Coding change: c.4547A>C on transcript NM_000064.4 (MANE Select); coding-DNA position 4547, A replaced by C.
Protein change: p.Glu1516Ala; replaces glutamic acid 1516 with alanine.
Molecular consequence: missense variant.
Genome position (GRCh38, 1-based): chr19:6,679,208, T>G on the plus strand (A>C on the coding strand, the complement: C3 is on the minus strand). VCF-style: chr19-6679208-T-G. GRCh37 (hg19) VCF-style: chr19-6679219-T-G.
Other names: short protein forms E1516A.
Identifiers: ClinVar variation 1949410 (VCV001949410.6), dbSNP rs1019532370, ClinGen allele CA304771532.
Genomic context (GRCh38, chr19:6,679,208, plus strand): 5'-GCCTTGTCCAGCCGTTCTTCCAGGGTGACCTTGTCATCCGACTTTTGTATGAAGCAATTC[T>G]CTGCAGGGTGGGGTGGAGACAGGGTCTAAGTCCCACTCCTTATCTGGGGCCTACTGCCCA-3'
Protein context (NP_000055.2, residues 1506-1526): CRDELCRCAE[Glu1516Ala]NCFIQKSDDK